The following is an entry in ClinVar:

NM_015450.3(POT1):c.1414A>G (p.Ser472Gly)

Gene: POT1 (protection of telomeres 1; minus strand). Cytogenetic location: 7q31.33.
Variant type: single nucleotide variant.
Coding change: c.1414A>G on transcript NM_015450.3 (MANE Select); coding-DNA position 1414, A replaced by G.
Protein change: p.Ser472Gly; replaces serine 472 with glycine.
Molecular consequence: missense variant. On other transcripts: non-coding transcript variant (3).
Genome position (GRCh38, 1-based): chr7:124,835,370, T>C on the plus strand (A>G on the coding strand, the complement: POT1 is on the minus strand). VCF-style: chr7-124835370-T-C. GRCh37 (hg19) VCF-style: chr7-124475424-T-C.
Other names: c.1021A>G, p.Ser341Gly (NM_001042594.2); short protein forms S472G, S341G.
Identifiers: ClinVar variation 3308962 (VCV003308962.1).

ClinVar aggregate classification (germline): Uncertain significance (1 of 4 stars; one submission).

Conditions:
Hereditary cancer-predisposing syndrome. Also called: Neoplastic Syndromes, Hereditary; Tumor predisposition; Hereditary neoplastic syndrome; Hereditary Cancer Syndrome. Identifiers: Orphanet 140162, MedGen C0027672, MeSH D009386, MONDO:0015356.

gnomAD v4.1: 3 of 1,613,992 alleles (0.00019%); highest among the groups gnomAD compares: Non-Finnish European, 0.00025%; no homozygotes.

Submission:

Ambry Genetics
Classification: Uncertain significance for Hereditary cancer-predisposing syndrome. Last evaluated: 2024-04-20. Review status: criteria provided, single submitter. Criteria: Ambry Variant Classification Scheme 2023. Collection method: clinical testing. Allele origin: germline.
Comment: The p.S472G variant (also known as c.1414A>G), located in coding exon 11 of the POT1 gene, results from an A to G substitution at nucleotide position 1414. The serine at codon 472 is replaced by glycine, an amino acid with similar properties. This amino acid position is conserved. In addition, this alteration is predicted to be tolerated by in silico analysis. Based on the available evidence, the clinical significance of this variant remains unclear.